The following is an entry in ClinVar:

ClinVar aggregate classification (germline): Uncertain significance (1 of 4 stars; one submission).

Conditions:
Charcot-Marie-Tooth disease type 4. Also called: Charcot-Marie-Tooth disease, type IV; Charcot-Marie-Tooth, Type 4. Identifiers: Orphanet 64749, MedGen C4082197, MONDO:0018995.

gnomAD v4.1: 5 of 1,614,060 alleles (0.00031%); highest among the groups gnomAD compares: Non-Finnish European, 0.00042%; no homozygotes.

Submission:

Labcorp Genetics (formerly Invitae), Labcorp
Classification: Uncertain significance for Charcot-Marie-Tooth disease type 4. Last evaluated: 2021-12-07. Review status: criteria provided, single submitter. Criteria: Invitae Variant Classification Sherloc (09022015). Collection method: clinical testing. Allele origin: germline.
Comment: This sequence change replaces phenylalanine, which is neutral and non-polar, with valine, which is neutral and non-polar, at codon 608 of the SBF2 protein (p.Phe608Val). This variant is not present in population databases (gnomAD no frequency). This missense change has been observed in individual(s) with clinical features of SBF2-related conditions (Invitae). Algorithms developed to predict the effect of missense changes on protein structure and function (SIFT, PolyPhen-2, Align-GVGD) all suggest that this variant is likely to be disruptive. Algorithms developed to predict the effect of sequence changes on RNA splicing suggest that this variant may create or strengthen a splice site. In summary, the available evidence is currently insufficient to determine the role of this variant in disease. Therefore, it has been classified as a Variant of Uncertain Significance.

NM_030962.4(SBF2):c.1822T>G (p.Phe608Val)

Gene: SBF2 (SET binding factor 2; minus strand). Cytogenetic location: 11p15.4.
Variant type: single nucleotide variant.
Coding change: c.1822T>G on transcript NM_030962.4 (MANE Select); coding-DNA position 1822, T replaced by G.
Protein change: p.Phe608Val; replaces phenylalanine 608 with valine.
Molecular consequence: missense variant.
Genome position (GRCh38, 1-based): chr11:9,961,995, A>C on the plus strand (T>G on the coding strand, the complement: SBF2 is on the minus strand). VCF-style: chr11-9961995-A-C. GRCh37 (hg19) VCF-style: chr11-9983542-A-C.
Other names: c.1822T>G, p.Phe608Val (NM_001386339.1); c.1693T>G, p.Phe565Val (NM_001386342.1); short protein forms F608V, F565V.
Identifiers: ClinVar variation 1435985 (VCV001435985.6), dbSNP rs2134363226, ClinGen allele CA379644200.